The following is an entry in ClinVar:

ClinVar aggregate classification (germline): Uncertain significance (1 of 4 stars; one submission).

Conditions:
Hypertrophic cardiomyopathy 25 (CMH25). Also called: CARDIOMYOPATHY, FAMILIAL HYPERTROPHIC, 25. Identifiers: MedGen C4225408, MONDO:0011843, OMIM 607487.
Primary familial hypertrophic cardiomyopathy (HCM). Identifiers: Orphanet 99739, MedGen C0949658, MeSH D024741, MONDO:0024573. Inheritance: Various modes of inheritance.

Submission:

Labcorp Genetics (formerly Invitae), Labcorp
Classification: Uncertain significance for Hypertrophic cardiomyopathy 25; Primary familial hypertrophic cardiomyopathy. Last evaluated: 2022-02-18. Review status: criteria provided, single submitter. Criteria: Invitae Variant Classification Sherloc (09022015). Collection method: clinical testing. Allele origin: germline.
Comment: This sequence change replaces isoleucine, which is neutral and non-polar, with valine, which is neutral and non-polar, at codon 93 of the TCAP protein (p.Ile93Val). This variant is not present in population databases (gnomAD no frequency). This variant has not been reported in the literature in individuals affected with TCAP-related conditions. Algorithms developed to predict the effect of missense changes on protein structure and function are either unavailable or do not agree on the potential impact of this missense change (SIFT: "Deleterious"; PolyPhen-2: "Benign"; Align-GVGD: "Class C0"). In summary, the available evidence is currently insufficient to determine the role of this variant in disease. Therefore, it has been classified as a Variant of Uncertain Significance.

NM_003673.4(TCAP):c.277A>G (p.Ile93Val)

Gene: TCAP (titin-cap; plus strand). Cytogenetic location: 17q12.
Variant type: single nucleotide variant.
Coding change: c.277A>G on transcript NM_003673.4 (MANE Select); coding-DNA position 277, A replaced by G.
Protein change: p.Ile93Val; replaces isoleucine 93 with valine.
Molecular consequence: missense variant.
Genome position (GRCh38, 1-based): chr17:39,665,882, A>G. VCF-style: chr17-39665882-A-G. GRCh37 (hg19) VCF-style: chr17-37822135-A-G.
Other names: short protein forms I93V.
Identifiers: ClinVar variation 1932063 (VCV001932063.5), dbSNP rs76130885, ClinGen allele CA399304783.